The following is an entry in ClinVar:

ClinVar aggregate classification (germline): Uncertain significance (1 of 4 stars; one submission).

Conditions:
Hereditary pancreatitis (PCTT). Also called: Hereditary chronic pancreatitis; PRSS1-Related Hereditary Pancreatitis. Identifiers: Orphanet 676, MedGen C0238339, MONDO:0008185, OMIM 167800.

Submission:

Ambry Genetics
Classification: Uncertain significance for Hereditary pancreatitis. Last evaluated: 2024-09-15. Review status: criteria provided, single submitter. Criteria: Ambry Variant Classification Scheme 2023. Collection method: clinical testing. Allele origin: germline.
Comment: The p.P68L variant (also known as c.203C>T), located in coding exon 3 of the CPA1 gene, results from a C to T substitution at nucleotide position 203. The proline at codon 68 is replaced by leucine, an amino acid with similar properties. This amino acid position is conserved. In addition, the in silico prediction for this alteration is inconclusive. Based on the available evidence, the clinical significance of this variant remains unclear.

NM_001868.4(CPA1):c.203C>T (p.Pro68Leu)

Gene: CPA1 (carboxypeptidase A1; plus strand). Cytogenetic location: 7q32.2.
Variant type: single nucleotide variant.
Coding change: c.203C>T on transcript NM_001868.4 (MANE Select); coding-DNA position 203, C replaced by T.
Protein change: p.Pro68Leu; replaces proline 68 with leucine.
Molecular consequence: missense variant.
Genome position (GRCh38, 1-based): chr7:130,381,685, C>T. VCF-style: chr7-130381685-C-T. GRCh37 (hg19) VCF-style: chr7-130021526-C-T.
Other names: short protein forms P68L.
Identifiers: ClinVar variation 3496203 (VCV003496203.1).